The following is an entry in ClinVar:

NM_144982.5(ZFC3H1):c.3987T>C (p.Asp1329=)

Gene: ZFC3H1 (zinc finger C3H1-type containing; minus strand). Cytogenetic location: 12q21.1.
Variant type: single nucleotide variant.
Coding change: c.3987T>C on transcript NM_144982.5 (MANE Select); coding-DNA position 3987, T replaced by C.
Protein change: p.Asp1329=; no amino-acid change (aspartic acid 1329 retained).
Molecular consequence: synonymous variant.
Genome position (GRCh38, 1-based): chr12:71,627,894, A>G on the plus strand (T>C on the coding strand, the complement: ZFC3H1 is on the minus strand). VCF-style: chr12-71627894-A-G. GRCh37 (hg19) VCF-style: chr12-72021674-A-G.
Identifiers: ClinVar variation 2643179 (VCV002643179.24), dbSNP rs376343315, ClinGen allele CA6687240.

ClinVar aggregate classification (germline): Likely benign (1 of 4 stars; one submission).

Allele frequency attached by ClinVar (database versions not stated): gnomAD 0.00021; TOPMed 0.00022; ExAC 0.00023; gnomAD exomes 0.00026; ESP Exome Variant Server 0.00042.
gnomAD v4.1: 406 of 1,613,126 alleles (0.025%); highest among the groups gnomAD compares: Non-Finnish European, 0.031%; no homozygotes.

Submission:

CeGaT Center for Human Genetics Tuebingen
Classification: Likely benign. Last evaluated: 2022-09-01. Review status: criteria provided, single submitter. Criteria: CeGaT Center For Human Genetics Tuebingen Variant Classification Criteria Version 2. Collection method: clinical testing. Allele origin: germline. Affected: yes. Observed: 1 variant allele.
Comment: ZFC3H1: BP4, BP7